The following is an entry in ClinVar:

ClinVar aggregate classification (germline): Pathogenic. Review status: criteria provided, single submitter (1 of 4 stars). 3 submissions from 3 submitters: Pathogenic (1). 2 of the submissions do not count toward it. Last evaluated 2017-09-01.

Conditions:
Congenital cataract-progressive muscular hypotonia-hearing loss-developmental delay syndrome. Also called: MITOCHONDRIAL COMPLEX DEFICIENCY, COMBINED; Myopathy with cataract and combined respiratory-chain deficiency. Identifiers: Orphanet 330054, MedGen C2751320, MONDO:0013116, OMIM 613076.

Submissions (3):

Baylor Genetics
Classification: Pathogenic for Congenital cataract-progressive muscular hypotonia-hearing loss-developmental delay syndrome. Last evaluated: 2017-09-01. Review status: criteria provided, single submitter. Criteria: ACMG Guidelines, 2015. Collection method: clinical testing. Allele origin: maternal. Inheritance: Autosomal recessive inheritance. Affected: yes.

OMIM
Classification: Pathogenic for MYOPATHY, MITOCHONDRIAL PROGRESSIVE, WITH CONGENITAL CATARACT AND DEVELOPMENTAL DELAY. Last evaluated: 2020-08-20. Review status: no assertion criteria provided. Collection method: literature only. Allele origin: germline. Not counted in ClinVar's aggregate classification.

Mayo Clinic Laboratories, Mayo Clinic
Classification: Likely pathogenic. Last evaluated: 2016-03-08. Review status: no assertion criteria provided. Collection method: clinical testing. Allele origin: unknown. Not counted in ClinVar's aggregate classification.

Literature cited by the submitters: PubMed 25326635 (cited by Baylor Genetics); PubMed 28155230 (cited by OMIM).

NM_005262.3(GFER):c.217del (p.Ala73fs)

Genes: GFER (growth factor, augmenter of liver regeneration; plus strand), LOC130058203 (ATAC-STARR-seq lymphoblastoid silent region 7014; plus strand). Cytogenetic location: 16p13.3.
Variant type: Deletion.
Coding change: c.217del on transcript NM_005262.3 (MANE Select); coding-DNA position 217, one base deleted (G; older notation c.217delG).
Protein change: p.Ala73fs; shifts the reading frame from alanine 73.
Molecular consequence: frameshift variant.
Genome position (GRCh38, 1-based): chr16:1,984,435, G deleted; the last of 3 consecutive G bases (chr16:1,984,433-1,984,435); deleting any one gives the same sequence. VCF-style (leftmost placement, unchanged base first): chr16-1984432-CG-C. GRCh37 (hg19) VCF-style: chr16-2034433-CG-C.
Other names: c.217delG (NM_005262.2); short protein forms A73fs.
Identifiers: ClinVar variation 559178 (VCV000559178.8), dbSNP rs1555486560, ClinGen allele CA658824565.